The following is an entry in ClinVar:

NM_015466.4(PTPN23):c.2419G>A (p.Ala807Thr)

Gene: PTPN23 (protein tyrosine phosphatase non-receptor type 23; plus strand). Cytogenetic location: 3p21.31.
Variant type: single nucleotide variant.
Coding change: c.2419G>A on transcript NM_015466.4 (MANE Select); coding-DNA position 2419, G replaced by A.
Protein change: p.Ala807Thr; replaces alanine 807 with threonine.
Molecular consequence: missense variant.
Genome position (GRCh38, 1-based): chr3:47,410,217, G>A. VCF-style: chr3-47410217-G-A. GRCh37 (hg19) VCF-style: chr3-47451707-G-A.
Other names: c.2041G>A, p.Ala681Thr (NM_001304482.2); c.2419G>A (NM_015466.2); short protein forms A681T, A807T.
Identifiers: ClinVar variation 1354028 (VCV001354028.4), dbSNP rs113487545, ClinGen allele CA2366035.
Genomic context (GRCh38, chr3:47,410,217, plus strand): 5'-CTCTCAGGCCCCTTGCCCCCTGGTACCTACTCGGGCCCCACCCAGCTGATACAGCCCAGG[G>A]CCCCAGGGCCCCATGCAATGCCCGTAGCACCTGGGCCTGCCCTCTACCCAGCCCCTGCCT-3'
Protein context (NP_056281.1, residues 797-817): SGPTQLIQPR[Ala807Thr]PGPHAMPVAP

ClinVar aggregate classification (germline): Uncertain significance. Review status: criteria provided, multiple submitters, no conflicts (2 of 4 stars). 2 submissions from 2 submitters: Uncertain significance (2). Last evaluated 2025-09-24.

Conditions:
Inborn genetic diseases. Identifiers: MedGen C0950123, MeSH D030342.

Allele frequency attached by ClinVar (database versions not stated): gnomAD exomes 0.00001 and 0.00002; TOPMed below 0.00001; gnomAD 0.00002; ExAC 0.00003.
gnomAD v4.1: 23 of 1,610,828 alleles (0.0014%); highest among the groups gnomAD compares: South Asian, 0.011%; 1 homozygote.

Submissions (2):

Ambry Genetics
Classification: Uncertain significance for Inborn genetic diseases. Last evaluated: 2025-09-24. Review status: criteria provided, single submitter. Criteria: Ambry Variant Classification Scheme 2023. Collection method: clinical testing. Allele origin: germline.

Labcorp Genetics (formerly Invitae), Labcorp
Classification: Uncertain significance. Last evaluated: 2022-07-05. Review status: criteria provided, single submitter. Criteria: Invitae Variant Classification Sherloc (09022015). Collection method: clinical testing. Allele origin: germline.
Comment: This sequence change replaces alanine, which is neutral and non-polar, with threonine, which is neutral and polar, at codon 807 of the PTPN23 protein (p.Ala807Thr). This variant is present in population databases (rs113487545, gnomAD 0.01%), including at least one homozygous and/or hemizygous individual. This variant has not been reported in the literature in individuals affected with PTPN23-related conditions. ClinVar contains an entry for this variant (Variation ID: 1354028). Algorithms developed to predict the effect of missense changes on protein structure and function output the following: SIFT: "Tolerated"; PolyPhen-2: "Not Available"; Align-GVGD: "Class C0". The threonine amino acid residue is found in multiple mammalian species, which suggests that this missense change does not adversely affect protein function. In summary, the available evidence is currently insufficient to determine the role of this variant in disease. Therefore, it has been classified as a Variant of Uncertain Significance.